The following is an entry in ClinVar:

NM_004100.5(EYA4):c.1808A>C (p.Asp603Ala)

Genes: EYA4 (EYA transcriptional coactivator and phosphatase 4; plus strand), TARID (TCF21 antisense RNA inducing promoter demethylation; minus strand). Cytogenetic location: 6q23.2.
Variant type: single nucleotide variant.
Coding change: c.1808A>C on transcript NM_004100.5 (MANE Select); coding-DNA position 1808, A replaced by C.
Protein change: p.Asp603Ala; replaces aspartic acid 603 with alanine.
Molecular consequence: missense variant. On other transcripts: intron variant (3).
Genome position (GRCh38, 1-based): chr6:133,525,223, A>C. VCF-style: chr6-133525223-A-C. GRCh37 (hg19) VCF-style: chr6-133846361-A-C.
Other names: c.1826A>C, p.Asp609Ala (NM_001301013.2); c.1664A>C, p.Asp555Ala (NM_001370459.1); c.1739A>C, p.Asp580Ala (NM_172103.4); c.1839+108A>C (NM_172105.4); c.1770+108A>C (NM_001370458.1); c.1677+108A>C (NM_001301012.2); short protein forms D609A, D555A, D580A, D603A.
Identifiers: ClinVar variation 2129614 (VCV002129614.4), dbSNP rs1199711159, ClinGen allele CA365700855.

ClinVar aggregate classification (germline): Uncertain significance (1 of 4 stars; one submission).

Conditions:
Dilated cardiomyopathy 1J (CMD1J). Also called: CARDIOMYOPATHY, DILATED, WITH SENSORINEURAL HEARING LOSS, AUTOSOMAL DOMINANT. Identifiers: Orphanet 217622, MedGen C1854368, MONDO:0011541, OMIM 605362.

Submission:

Labcorp Genetics (formerly Invitae), Labcorp
Classification: Uncertain significance for Dilated cardiomyopathy 1J. Last evaluated: 2023-03-30. Review status: criteria provided, single submitter. Criteria: Invitae Variant Classification Sherloc (09022015). Collection method: clinical testing. Allele origin: germline.
Comment: In summary, the available evidence is currently insufficient to determine the role of this variant in disease. Therefore, it has been classified as a Variant of Uncertain Significance. Advanced modeling of protein sequence and biophysical properties (such as structural, functional, and spatial information, amino acid conservation, physicochemical variation, residue mobility, and thermodynamic stability) has been performed at Invitae for this missense variant, however the output from this modeling did not meet the statistical confidence thresholds required to predict the impact of this variant on EYA4 protein function. ClinVar contains an entry for this variant (Variation ID: 2129614). This variant has not been reported in the literature in individuals affected with EYA4-related conditions. This variant is not present in population databases (gnomAD no frequency). This sequence change replaces aspartic acid, which is acidic and polar, with alanine, which is neutral and non-polar, at codon 603 of the EYA4 protein (p.Asp603Ala).